The following is an entry in ClinVar:

NM_001458.5(FLNC):c.133T>A (p.Trp45Arg)

Gene: FLNC (filamin C; plus strand). Cytogenetic location: 7q32.1.
Variant type: single nucleotide variant.
Coding change: c.133T>A on transcript NM_001458.5 (MANE Select); coding-DNA position 133, T replaced by A.
Protein change: p.Trp45Arg; replaces tryptophan 45 with arginine.
Molecular consequence: missense variant.
Genome position (GRCh38, 1-based): chr7:128,830,770, T>A. VCF-style: chr7-128830770-T-A. GRCh37 (hg19) VCF-style: chr7-128470824-T-A.
Other names: c.133T>A, p.Trp45Arg (NM_001127487.2); short protein forms W45R.
Identifiers: ClinVar variation 2016716 (VCV002016716.4), dbSNP rs2536605179, ClinGen allele CA369215926.
Genomic context (GRCh38, chr7:128,830,770, plus strand): 5'-GAGAAGGACCTGGCGGAGGACGCGCCGTGGAAGAAGATCCAGCAGAACACATTCACGCGC[T>A]GGTGCAATGAGCACCTCAAGTGCGTGGGCAAGCGCCTGACCGACCTGCAGCGCGACCTCA-3'
Protein context (NP_001449.3, residues 35-55): KKIQQNTFTR[Trp45Arg]CNEHLKCVGK

ClinVar aggregate classification (germline): Uncertain significance (1 of 4 stars; one submission).

Conditions:
Myofibrillar myopathy 5. Also called: Filaminopathy (type); FILAMINOPATHY, AUTOSOMAL DOMINANT. Identifiers: Orphanet 171445, MedGen C1836050, MONDO:0012289, OMIM 609524.
Distal myopathy with posterior leg and anterior hand involvement. Also called: WILLIAMS DISTAL MYOPATHY. Identifiers: Orphanet 63273, MedGen C3279722, MONDO:0013550, OMIM 614065.
Hypertrophic cardiomyopathy 26. Also called: Cardiomyopathy, familial hypertrophic, 26. Identifiers: Orphanet 75249, MedGen C4310749, MONDO:0014883, OMIM 617047.

Submission:

Labcorp Genetics (formerly Invitae), Labcorp
Classification: Uncertain significance for Distal myopathy with posterior leg and anterior hand involvement; Myofibrillar myopathy 5; Hypertrophic cardiomyopathy 26. Last evaluated: 2023-01-09. Review status: criteria provided, single submitter. Criteria: Invitae Variant Classification Sherloc (09022015). Collection method: clinical testing. Allele origin: germline.
Comment: This variant has not been reported in the literature in individuals affected with FLNC-related conditions. Advanced modeling of protein sequence and biophysical properties (such as structural, functional, and spatial information, amino acid conservation, physicochemical variation, residue mobility, and thermodynamic stability) has been performed at Invitae for this missense variant, however the output from this modeling did not meet the statistical confidence thresholds required to predict the impact of this variant on FLNC protein function. In summary, the available evidence is currently insufficient to determine the role of this variant in disease. Therefore, it has been classified as a Variant of Uncertain Significance. This sequence change replaces tryptophan, which is neutral and slightly polar, with arginine, which is basic and polar, at codon 45 of the FLNC protein (p.Trp45Arg). This variant is not present in population databases (gnomAD no frequency).